The following is an entry in ClinVar:

NM_000400.4(ERCC2):c.1584C>A (p.Ser528=)

Gene: ERCC2 (ERCC excision repair 2, TFIIH core complex helicase subunit; minus strand). Cytogenetic location: 19q13.32.
Variant type: single nucleotide variant.
Coding change: c.1584C>A on transcript NM_000400.4 (MANE Select); coding-DNA position 1584, C replaced by A.
Protein change: p.Ser528=; no amino-acid change (serine 528 retained).
Molecular consequence: synonymous variant.
Genome position (GRCh38, 1-based): chr19:45,354,811, G>T on the plus strand (C>A on the coding strand, the complement: ERCC2 is on the minus strand). VCF-style: chr19-45354811-G-T. GRCh37 (hg19) VCF-style: chr19-45858069-G-T.
Identifiers: ClinVar variation 695543 (VCV000695543.37), dbSNP rs199551160, ClinGen allele CA9513195.

ClinVar aggregate classification (germline): Likely benign. Review status: criteria provided, multiple submitters, no conflicts (2 of 4 stars). 7 submissions from 7 submitters: Likely benign (7). Last evaluated 2026-01-26.

Conditions:
Inborn genetic diseases. Identifiers: MedGen C0950123, MeSH D030342.
Xeroderma pigmentosum (XP). Identifiers: Orphanet 910, MedGen C0043346, MONDO:0019600.
Trichothiodystrophy 1, photosensitive (TTD1). Also called: TAY SYNDROME; TRICHOTHIODYSTROPHY WITH CONGENITAL ICHTHYOSIS; PIBIDS SYNDROME. Identifiers: Orphanet 33364, MedGen C1866504, MONDO:0011125, OMIM 601675.
Cerebrooculofacioskeletal syndrome 2 (COFS2). Identifiers: MedGen C1853102, MONDO:0012553, OMIM 610756.
Xeroderma pigmentosum, group D (XPD). Also called: XERODERMA PIGMENTOSUM IV; XP, GROUP D; XP, GROUP H; ERCC2-Related Xeroderma Pigmentosum; XERODERMA PIGMENTOSUM, COMPLEMENTATION GROUP D. Identifiers: MedGen C0268138, MONDO:0010212, OMIM 278730.

Allele frequency attached by ClinVar (database versions not stated): gnomAD 0.00006; TOPMed 0.00007; ESP Exome Variant Server 0.00008.

Submissions (7):

Labcorp Genetics (formerly Invitae), Labcorp
Classification: Likely benign. Last evaluated: 2026-01-26. Review status: criteria provided, single submitter. Criteria: Invitae Variant Classification Sherloc (09022015). Collection method: clinical testing. Allele origin: germline.

CeGaT Center for Human Genetics Tuebingen
Classification: Likely benign. Last evaluated: 2026-01-01. Review status: criteria provided, single submitter. Criteria: CeGaT Center For Human Genetics Tuebingen Variant Classification Criteria Version 2. Collection method: clinical testing. Allele origin: germline. Affected: yes. Observed: 7 variant alleles.
Comment: ERCC2: BP4, BP7

Blueprint Genetics
Classification: Likely benign. Last evaluated: 2024-08-22. Review status: criteria provided, single submitter. Criteria: ACMG Guidelines, 2015. Collection method: clinical testing. Allele origin: germline.

Ambry Genetics
Classification: Likely benign for Inborn genetic diseases. Last evaluated: 2022-02-15. Review status: criteria provided, single submitter. Criteria: Ambry Variant Classification Scheme 2023. Collection method: clinical testing. Allele origin: germline.

Sema4
Classification: Likely benign for Xeroderma pigmentosum. Last evaluated: 2021-10-22. Review status: criteria provided, single submitter. Criteria: Sema4 Curation Guidelines. Collection method: curation. Allele origin: germline.

Fulgent Genetics
Classification: Likely benign for Xeroderma pigmentosum, group D; Trichothiodystrophy 1, photosensitive; Cerebrooculofacioskeletal syndrome 2. Last evaluated: 2021-10-14. Review status: criteria provided, single submitter. Criteria: ACMG Guidelines, 2015. Collection method: clinical testing. Allele origin: unknown.

Breakthrough Genomics
Classification: Likely benign. Review status: criteria provided, single submitter. Criteria: ACMG Guidelines, 2015. Collection method: not provided. Allele origin: germline. Inheritance: Autosomal recessive inheritance. Affected: yes.